The following is an entry in ClinVar:

NM_001267550.2(TTN):c.68786C>T (p.Ser22929Leu)

Genes: TTN (titin; minus strand), TTN-AS1 (TTN antisense RNA 1; plus strand). Cytogenetic location: 2q31.2.
Variant type: single nucleotide variant.
Coding change: c.68786C>T on transcript NM_001267550.2 (MANE Select); coding-DNA position 68786, C replaced by T.
Protein change: p.Ser22929Leu; replaces serine 22929 with leucine.
Molecular consequence: missense variant.
Genome position (GRCh38, 1-based): chr2:178,577,640, G>A on the plus strand (C>T on the coding strand, the complement: TTN is on the minus strand). VCF-style: chr2-178577640-G-A. GRCh37 (hg19) VCF-style: chr2-179442367-G-A.
Other names: p.Ser21288Leu; c.63863C>T, p.Ser21288Leu (NM_001256850.1); c.41591C>T, p.Ser13864Leu (NM_003319.4); c.61082C>T, p.Ser20361Leu (NM_133378.4); c.41966C>T, p.Ser13989Leu (NM_133432.3); c.42167C>T, p.Ser14056Leu (NM_133437.4); short protein forms S13864L, S13989L, S14056L, S20361L, S21288L, S22929L.
Identifiers: ClinVar variation 1679217 (VCV001679217.4), dbSNP rs764365298, ClinGen allele CA1991047.

ClinVar aggregate classification (germline): Uncertain significance. Review status: criteria provided, single submitter (1 of 4 stars). 2 submissions from 2 submitters: Uncertain significance (1). 1 of the submissions does not count toward it. Last evaluated 2022-05-13.

Conditions:
Tip-toe gait. Also called: Toe walking. Identifiers: MedGen C0427144, HP:0030051.

Allele frequency attached by ClinVar (database versions not stated): ExAC 0.00002; gnomAD exomes 0.00001 and below 0.00001; TOPMed below 0.00001.
gnomAD v4.1: 2 of 1,612,538 alleles (0.00012%); highest among the groups gnomAD compares: Non-Finnish European, 0.00017%; no homozygotes.

Submissions (2):

Mayo Clinic Laboratories, Mayo Clinic
Classification: Uncertain significance. Last evaluated: 2022-05-13. Review status: criteria provided, single submitter. Criteria: ACMG Guidelines, 2015. Collection method: clinical testing. Allele origin: germline. Observed: 1 variant allele.

Practice for Gait Abnormalities, David Pomarino, Competency Network Toe Walking C/o Practice Pomarino
Classification: Likely pathogenic for Tip-toe gait. Last evaluated: 2022-01-19. Review status: no assertion criteria provided. Collection method: clinical testing. Allele origin: germline. Affected: yes. Not counted in ClinVar's aggregate classification.
Comment: Myopathy refers to diseases that affect skeletal Muscles. These diseases attack muscle fibers, making muscles weak. Inherited myopathies are often caused by inheriting an abnormal gene mutation from a parent that causes the disease. Symptoms of congenital myopathies usually start at birth or in early childhood, but may not appear until the teen years or even later in adulthood. Congenital myopathies are somewhat unique compared with other inherited myopathies, as weakness typically affects all muscles and is often not progressive. Symptoms are: Muscle weakness, most commonly of upper arms and shoulders and thighs, muscle cramps, stiffness and spasms, fatigue with exertion and lack of energy. Our patients all walk on tiptoe, so they show similar symptoms. When we genetically test them with our toe walking panel, we find that around 90 per cent of them have a genetic variant that explains their toe walking. These can be assigned, for example, to the area of myopathies (such as variants of the COL6A3 gene), the area of hereditary neuropathies (such as variants of the KMT2C gene) or the area of metabolic diseases (such as variants of the PYGM gene). In a smaller group of patients with almost identical symptoms, no abnormality is found in the genes of our panel, but spastic paraplegia can be detected. In another small group of our toe walkers, no abnormalities can be detected in the genes analysed in our toe walking panel, nor do they suffer from spastic paraplegia, as is also the case with healthy children. In contrast to these, however, they show a tiptoe gait. These patients suffer from infantile cerebral palsy, in which toe walking can also be observed.

Literature cited by the submitters: PubMed 37091313 (cited by Practice for Gait Abnormalities, David Pomarino, Competency Network Toe Walking C/o Practice Pomarino).